The following is an entry in ClinVar:

NM_000027.4(AGA):c.537C>A (p.Cys179Ter)

Gene: AGA (aspartylglucosaminidase; minus strand). Cytogenetic location: 4q34.3.
Variant type: single nucleotide variant.
Coding change: c.537C>A on transcript NM_000027.4 (MANE Select); coding-DNA position 537, C replaced by A.
Protein change: p.Cys179Ter; replaces cysteine 179 with a stop codon.
Molecular consequence: nonsense. On other transcripts: non-coding transcript variant (1).
Genome position (GRCh38, 1-based): chr4:177,437,490, G>T on the plus strand (C>A on the coding strand, the complement: AGA is on the minus strand). VCF-style: chr4-177437490-G-T. GRCh37 (hg19) VCF-style: chr4-178358644-G-T.
Other names: c.537C>A, p.Cys179Ter (NM_001171988.2); short protein forms C179*.
Identifiers: ClinVar variation 370606 (VCV000370606.14), dbSNP rs748171793, ClinGen allele CA16040932.

ClinVar aggregate classification (germline): Pathogenic. Review status: criteria provided, single submitter (1 of 4 stars). 2 submissions from 2 submitters: Pathogenic (1). 1 of the submissions does not count toward it. Last evaluated 2023-02-15.

Conditions:
Aspartylglucosaminuria (AGU). Also called: GLYCOASPARAGINASE; GLYCOSYLASPARAGINASE DEFICIENCY; Aspartylglucos-aminuria; Aspartylglucos-amidase (AGA) deficiency; AGA DEFICIENCY. Identifiers: Orphanet 93, MedGen C0268225, MONDO:0008830, OMIM 208400, HP:0012068.

gnomAD v4.1: 4 of 1,611,436 alleles (0.00025%); highest among the groups gnomAD compares: Non-Finnish European, 0.00034%; no homozygotes.

Submissions (2):

Labcorp Genetics (formerly Invitae), Labcorp
Classification: Pathogenic for Aspartylglucosaminuria. Last evaluated: 2023-02-15. Review status: criteria provided, single submitter. Criteria: Invitae Variant Classification Sherloc (09022015). Collection method: clinical testing. Allele origin: germline.
Comment: For these reasons, this variant has been classified as Pathogenic. ClinVar contains an entry for this variant (Variation ID: 370606). This variant has not been reported in the literature in individuals affected with AGA-related conditions. This variant is present in population databases (no rsID available, gnomAD 0.0009%). This sequence change creates a premature translational stop signal (p.Cys179*) in the AGA gene. It is expected to result in an absent or disrupted protein product. Loss-of-function variants in AGA are known to be pathogenic (PMID: 7627186, 11309371).

Counsyl
Classification: Likely pathogenic for Aspartylglucosaminuria. Last evaluated: 2016-03-08. Review status: no assertion criteria provided. Collection method: clinical testing. Allele origin: unknown. Not counted in ClinVar's aggregate classification.

Literature cited by the submitters: PubMed 7627186 (cited by Labcorp Genetics (formerly Invitae), Labcorp); PubMed 11309371 (cited by Labcorp Genetics (formerly Invitae), Labcorp).